The following is an entry in ClinVar:

NM_001375808.2(LPIN2):c.1840G>A (p.Glu614Lys)

Gene: LPIN2 (lipin 2; minus strand). Cytogenetic location: 18p11.31.
Variant type: single nucleotide variant.
Coding change: c.1840G>A on transcript NM_001375808.2 (MANE Select); coding-DNA position 1840, G replaced by A.
Protein change: p.Glu614Lys; replaces glutamic acid 614 with lysine.
Molecular consequence: missense variant.
Genome position (GRCh38, 1-based): chr18:2,925,322, C>T on the plus strand (G>A on the coding strand, the complement: LPIN2 is on the minus strand). VCF-style: chr18-2925322-C-T. GRCh37 (hg19) VCF-style: chr18-2925320-C-T.
Other names: c.1840G>A, p.Glu614Lys (NM_001375809.1, NM_014646.2); short protein forms E614K.
Identifiers: ClinVar variation 1363963 (VCV001363963.7), dbSNP rs765017173, ClinGen allele CA8872935.

ClinVar aggregate classification (germline): Uncertain significance (1 of 4 stars; one submission).

Conditions:
Majeed syndrome (MJDS). Also called: CHRONIC RECURRENT MULTIFOCAL OSTEOMYELITIS 1, WITH CONGENITAL DYSERYTHROPOIETIC ANEMIA, WITH OR WITHOUT NEUTROPHILIC DERMATOSIS; LPIN2-Related Majeed Syndrome. Identifiers: Orphanet 77297, MedGen C1864997, MONDO:0012316, OMIM 609628.

Allele frequency attached by ClinVar (database versions not stated): gnomAD 0.00001; ExAC 0.00002; gnomAD exomes 0.00002; TOPMed 0.00004.
gnomAD v4.1: 38 of 1,613,946 alleles (0.0024%); highest among the groups gnomAD compares: Non-Finnish European, 0.003%; no homozygotes.

Submission:

Labcorp Genetics (formerly Invitae), Labcorp
Classification: Uncertain significance for Majeed syndrome. Last evaluated: 2025-08-14. Review status: criteria provided, single submitter. Criteria: Invitae Variant Classification Sherloc (09022015). Collection method: clinical testing. Allele origin: germline.
Comment: This sequence change replaces glutamic acid, which is acidic and polar, with lysine, which is basic and polar, at codon 614 of the LPIN2 protein (p.Glu614Lys). The frequency data for this variant in the population databases is considered unreliable, as metrics indicate poor data quality at this position in the gnomAD database. This variant has not been reported in the literature in individuals affected with LPIN2-related conditions. ClinVar contains an entry for this variant (Variation ID: 1363963). An algorithm developed to predict the effect of missense changes on protein structure and function outputs the following: PolyPhen-2: "Benign". The lysine amino acid residue is found in multiple mammalian species, which suggests that this missense change does not adversely affect protein function. In summary, the available evidence is currently insufficient to determine the role of this variant in disease. Therefore, it has been classified as a Variant of Uncertain Significance.